The following is an entry in ClinVar:

NM_000293.3(PHKB):c.640C>T (p.Arg214Cys)

Gene: PHKB (phosphorylase kinase regulatory subunit beta; plus strand). Cytogenetic location: 16q12.1.
Variant type: single nucleotide variant.
Coding change: c.640C>T on transcript NM_000293.3 (MANE Select); coding-DNA position 640, C replaced by T.
Protein change: p.Arg214Cys; replaces arginine 214 with cysteine.
Molecular consequence: missense variant.
Genome position (GRCh38, 1-based): chr16:47,547,478, C>T. VCF-style: chr16-47547478-C-T. GRCh37 (hg19) VCF-style: chr16-47581389-C-T.
Other names: c.619C>T, p.Arg207Cys (NM_001031835.3); c.640C>T, p.Arg214Cys (NM_001363837.1); short protein forms R214C, R207C.
Identifiers: ClinVar variation 432471 (VCV000432471.4), dbSNP rs1229604720, ClinGen allele CA395787364.

ClinVar aggregate classification (germline): Uncertain significance. Review status: criteria provided, multiple submitters, no conflicts (2 of 4 stars). 2 submissions from 2 submitters: Uncertain significance (2). Last evaluated 2019-07-17.

Allele frequency attached by ClinVar (database versions not stated): gnomAD exomes below 0.00001; TOPMed 0.00001.
gnomAD v4.1: 4 of 1,612,520 alleles (0.00025%); highest among the groups gnomAD compares: Non-Finnish European, 0.00034%; no homozygotes.

Submissions (2):

Blueprint Genetics
Classification: Uncertain significance. Last evaluated: 2019-07-17. Review status: criteria provided, single submitter. Criteria: ACMG Guidelines, 2015. Collection method: clinical testing. Allele origin: germline.

GeneDx
Classification: Uncertain significance. Last evaluated: 2019-05-07. Review status: criteria provided, single submitter. Criteria: GeneDx Variant Classification Process June 2021. Collection method: clinical testing. Allele origin: germline. Affected: yes.
Comment: Not observed at a significant frequency in large population cohorts (Lek et al., 2016); In silico analysis, which includes protein predictors and evolutionary conservation, supports a deleterious effect; Has not been previously published as pathogenic or benign to our knowledge